The following is an entry in ClinVar:

ClinVar aggregate classification (germline): Pathogenic. Review status: criteria provided, multiple submitters, no conflicts (2 of 4 stars). 5 submissions from 5 submitters: Pathogenic (5). Last evaluated 2025-04-19.

Conditions:
Niemann-Pick disease, type B. Also called: Chronic Visceral ASMD (Niemann-Pick Disease Type B; NPD-B). Identifiers: Orphanet 77293, MedGen C0268243, MONDO:0011871, OMIM 607616. Disease mechanism: loss of function.
Niemann-Pick disease, type A. Also called: Infantile Neurovisceral ASMD (Niemann-Pick Disease Type A; NPD-A); SPHINGOMYELIN LIPIDOSIS; SPHINGOMYELINASE DEFICIENCY. Identifiers: Orphanet 77292, MedGen C0268242, MONDO:0009756, OMIM 257200. Disease mechanism: loss of function.

Allele frequency attached by ClinVar (database versions not stated): gnomAD exomes below 0.00001; TOPMed below 0.00001; ExAC 0.00001.

Submissions (5):

Foundation for Research in Genetics and Endocrinology, FRIGE's Institute of Human Genetics
Classification: Pathogenic for Niemann-Pick disease, type A. Last evaluated: 2025-04-19. Review status: criteria provided, single submitter. Criteria: ACMG Guidelines, 2015. Collection method: clinical testing. Allele origin: germline. Inheritance: Autosomal recessive inheritance. Affected: yes. Observed: 1 homozygote.
Comment: A homozygous single base pair deletion in exon 5 of the SMPD1 gene (chr11:g.6415166CAT>C; Depth: 305x) that results in the frameshift and premature truncation of the protein, 3 amino acids downstream to codon 461 (p.His461ArgfsTer3; ENST00000342245.4) was detected. This variant has not been reported in the 1000 genomes database but has a MAF of 0.0004% in the gnomAD database. This variant has previously been reported in patients with NPD A/B (PMID: 15221801). The in-silico prediction of the variant is disease causing by MutationTaster2. In summary, the variant meets our criteria to be classified as pathogenic.

Natera, Inc.
Classification: Pathogenic for Niemann-Pick Disease, Types A/B. Last evaluated: 2025-02-18. Review status: criteria provided, single submitter. Criteria: Natera Variant Classification Schema (03/2026). Collection method: clinical testing. Allele origin: germline.
Comment: The c.1382_1383delAT variant in SMPD1 is a frameshift variant predicted to shift the reading frame beginning at codon 461 and leads to a stop codon 3 codons downstream. This variant is expected to result in nonsense mediated decay, truncation, or a dysfunctional protein product. This variant is rare in the general population with a frequency below the threshold expected for the associated phenotype(s). This variant has been observed in one or more individuals affected with the associated recessive disease, as either homozygous or compound heterozygous with a second variant (PMID: 33083013). Given the available evidence, this variant is classified as Pathogenic.

Labcorp Genetics (formerly Invitae), Labcorp
Classification: Pathogenic for Niemann-Pick disease, type B; Niemann-Pick disease, type A. Last evaluated: 2023-03-21. Review status: criteria provided, single submitter. Criteria: Invitae Variant Classification Sherloc (09022015). Collection method: clinical testing. Allele origin: germline.
Comment: This sequence change creates a premature translational stop signal (p.His461Argfs*3) in the SMPD1 gene. It is expected to result in an absent or disrupted protein product. Loss-of-function variants in SMPD1 are known to be pathogenic (PMID: 12369017, 15221801). This variant is present in population databases (rs748411156, gnomAD 0.007%). This premature translational stop signal has been observed in individual(s) with Niemann-Pick disease (PMID: 33083013). ClinVar contains an entry for this variant (Variation ID: 813421). For these reasons, this variant has been classified as Pathogenic.

Baylor Genetics
Classification: Pathogenic for Niemann-Pick disease, type A. Review status: criteria provided, single submitter. Criteria: ACMG Guidelines, 2015. Collection method: clinical testing. Allele origin: germline.

CENTOGENE GmbH and LLC - Guiding Precision Medicine
Classification: Pathogenic for Niemann-Pick disease, type A; Niemann-Pick disease, type B. Review status: criteria provided, single submitter. Criteria: ACMG Guidelines, 2015. Collection method: clinical testing. Allele origin: germline. Affected: yes.

Literature cited by the submitters: PubMed 15221801 (cited by Foundation for Research in Genetics and Endocrinology, FRIGE's Institute of Human Genetics and Labcorp Genetics (formerly Invitae), Labcorp); PubMed 33083013 (cited by Natera, Inc. and Labcorp Genetics (formerly Invitae), Labcorp); PubMed 12369017 (cited by Labcorp Genetics (formerly Invitae), Labcorp).

NM_000543.5(SMPD1):c.1382_1383del (p.His461fs)

Gene: SMPD1 (sphingomyelin phosphodiesterase 1; plus strand). Cytogenetic location: 11p15.4.
Variant type: Deletion.
Coding change: c.1382_1383del on transcript NM_000543.5 (MANE Select); coding-DNA positions 1382 to 1383, 2 bases deleted (AT; older notation c.1382_1383delAT).
Protein change: p.His461fs; shifts the reading frame from histidine 461.
Molecular consequence: frameshift variant. On other transcripts: non-coding transcript variant (2).
Genome position (GRCh38, 1-based): chr11:6,393,937-6,393,938, AT deleted. VCF-style (leftmost placement, unchanged base first): chr11-6393936-CAT-C. GRCh37 (hg19) VCF-style: chr11-6415166-CAT-C.
Other names: p.His461ArgfsTer3; c.1379_1380del, p.His460fs (NM_001007593.3); c.1382_1383del, p.His461fs (NM_001318087.2); c.461_462del, p.His154fs (NM_001318088.2); c.1250_1251del, p.His417fs (NM_001365135.2); c.1382_1383delAT (NM_000543.4); short protein forms H154fs, H461fs, H460fs, H417fs.
Identifiers: ClinVar variation 813421 (VCV000813421.9), dbSNP rs748411156, ClinGen allele CA5852886.